The following is an entry in ClinVar:

ClinVar aggregate classification (germline): Pathogenic (1 of 4 stars; one submission).

Submission:

Labcorp Genetics (formerly Invitae), Labcorp
Classification: Pathogenic. Last evaluated: 2025-11-18. Review status: criteria provided, single submitter. Criteria: Invitae Variant Classification Sherloc (09022015). Collection method: clinical testing. Allele origin: germline.
Comment: This sequence change creates a premature translational stop signal (p.Val285*) in the SPART gene. It is expected to result in an absent or disrupted protein product. Loss-of-function variants in SPART are known to be pathogenic (PMID: 18413476, 20437587, 20504295). This variant is present in population databases (rs754744019, gnomAD 0.0009%). This variant has not been reported in the literature in individuals affected with SPART-related conditions. For these reasons, this variant has been classified as Pathogenic.

Literature cited by the submitters: PubMed 18413476; PubMed 20437587; PubMed 20504295.

NM_015087.5(SPART):c.853_856del (p.Pro284_Val285insTer)

Gene: SPART (spartin; minus strand). Cytogenetic location: 13q13.3.
Variant type: Deletion.
Coding change: c.853_856del on transcript NM_015087.5 (MANE Select); coding-DNA positions 853 to 856, 4 bases deleted (GTTC; older notation c.853_856delGTTC).
Protein change: p.Pro284_Val285insTer.
Molecular consequence: nonsense.
Genome position (GRCh38, 1-based): chr13:36,331,551-36,331,554, GAAC deleted on the plus strand (GTTC on the coding strand, the reverse complement: SPART is on the minus strand). VCF-style (leftmost placement, unchanged base first): chr13-36331550-AGAAC-A. GRCh37 (hg19) VCF-style: chr13-36905687-AGAAC-A.
Other names: c.853_856del, p.Pro284_Val285insTer (NM_001142294.2, NM_001142295.2, NM_001142296.2).
Identifiers: ClinVar variation 4753217 (VCV004753217.1).